The following is an entry in ClinVar:

NM_207352.4(CYP4V2):c.1444T>G (p.Ser482Ala)

Gene: CYP4V2 (cytochrome P450 family 4 subfamily V member 2; plus strand). Cytogenetic location: 4q35.2.
Variant type: single nucleotide variant.
Coding change: c.1444T>G on transcript NM_207352.4 (MANE Select); coding-DNA position 1444, T replaced by G.
Protein change: p.Ser482Ala; replaces serine 482 with alanine.
Molecular consequence: missense variant.
Genome position (GRCh38, 1-based): chr4:186,210,507, T>G. VCF-style: chr4-186210507-T-G. GRCh37 (hg19) VCF-style: chr4-187131661-T-G.
Other names: short protein forms S482A.
Identifiers: ClinVar variation 1439100 (VCV001439100.6), dbSNP rs757530466, ClinGen allele CA358950819.

ClinVar aggregate classification (germline): Uncertain significance (1 of 4 stars; one submission).

Submission:

Labcorp Genetics (formerly Invitae), Labcorp
Classification: Uncertain significance. Last evaluated: 2021-10-29. Review status: criteria provided, single submitter. Criteria: Invitae Variant Classification Sherloc (09022015). Collection method: clinical testing. Allele origin: germline.
Comment: This variant is not present in population databases (gnomAD no frequency). This variant has not been reported in the literature in individuals affected with CYP4V2-related conditions. Advanced modeling of protein sequence and biophysical properties (such as structural, functional, and spatial information, amino acid conservation, physicochemical variation, residue mobility, and thermodynamic stability) performed at Invitae indicates that this missense variant is not expected to disrupt CYP4V2 protein function. In summary, the available evidence is currently insufficient to determine the role of this variant in disease. Therefore, it has been classified as a Variant of Uncertain Significance. This sequence change replaces serine, which is neutral and polar, with alanine, which is neutral and non-polar, at codon 482 of the CYP4V2 protein (p.Ser482Ala).